The following is an entry in ClinVar:

ClinVar aggregate classification (germline): Uncertain significance (1 of 4 stars; one submission).

Allele frequency attached by ClinVar (database versions not stated): gnomAD exomes below 0.00001.
gnomAD v4.1: 1 of 1,614,138 alleles (0.000062%); highest among the groups gnomAD compares: Non-Finnish European, 0.000085%; no homozygotes.

Submission:

Labcorp Genetics (formerly Invitae), Labcorp
Classification: Uncertain significance. Last evaluated: 2022-02-04. Review status: criteria provided, single submitter. Criteria: Invitae Variant Classification Sherloc (09022015). Collection method: clinical testing. Allele origin: germline.
Comment: Algorithms developed to predict the effect of sequence changes on RNA splicing suggest that this variant may create or strengthen a splice site. In summary, the available evidence is currently insufficient to determine the role of this variant in disease. Therefore, it has been classified as a Variant of Uncertain Significance. Advanced modeling of protein sequence and biophysical properties (such as structural, functional, and spatial information, amino acid conservation, physicochemical variation, residue mobility, and thermodynamic stability) performed at Invitae indicates that this missense variant is expected to disrupt TPP1 protein function. ClinVar contains an entry for this variant (Variation ID: 1037196). This variant has not been reported in the literature in individuals affected with TPP1-related conditions. This variant is not present in population databases (gnomAD no frequency). This sequence change replaces asparagine, which is neutral and polar, with lysine, which is basic and polar, at codon 489 of the TPP1 protein (p.Asn489Lys).

NM_000391.4(TPP1):c.1467T>A (p.Asn489Lys)

Gene: TPP1 (tripeptidyl peptidase 1; minus strand). Cytogenetic location: 11p15.4.
Variant type: single nucleotide variant.
Coding change: c.1467T>A on transcript NM_000391.4 (MANE Select); coding-DNA position 1467, T replaced by A.
Protein change: p.Asn489Lys; replaces asparagine 489 with lysine.
Molecular consequence: missense variant.
Genome position (GRCh38, 1-based): chr11:6,614,950, A>T on the plus strand (T>A on the coding strand, the complement: TPP1 is on the minus strand). VCF-style: chr11-6614950-A-T. GRCh37 (hg19) VCF-style: chr11-6636181-A-T.
Other names: short protein forms N489K.
Identifiers: ClinVar variation 1037196 (VCV001037196.8), dbSNP rs1855554877, ClinGen allele CA379472415.
Genomic context (GRCh38, chr11:6,614,950, plus strand): 5'-CTGGTAGAGCCTTGGGTTGAGAAAGCCAAGAGGGGGGCGGCCACTAAGGATCCTGTGCTC[A>T]TTGATCAAGGATAGGATCCCCCCAAACACTGGAGTAGAGGCCTACAAGAGTGAAGGTGCA-3'
Protein context (NP_000382.3, residues 479-499): PVFGGILSLI[Asn489Lys]EHRILSGRPP